The following is an entry in ClinVar:

ClinVar aggregate classification (germline): Uncertain significance (1 of 4 stars; one submission).

Conditions:
Inborn genetic diseases. Identifiers: MedGen C0950123, MeSH D030342.

Submission:

Ambry Genetics
Classification: Uncertain significance for Inborn genetic diseases. Last evaluated: 2020-11-06. Review status: criteria provided, single submitter. Criteria: Ambry Variant Classification Scheme 2023. Collection method: clinical testing. Allele origin: germline.
Comment: The c.-4+4A>G alteration is located in the 5' untranslated region (5' UTR) of the ITGB2 gene. This alteration consists of a A to G substitution 4 nucleotides after the first exon, which is non-coding. This location is approximately 10 kb upstream from the start codon. Based on data from the Genome Aggregation Database (gnomAD), the ITGB2 c.-4+4A>G alteration was not observed, with coverage at this position. This nucleotide position is well conserved in available vertebrate species. RNA studies have demonstrated that this alteration results in an incomplete splice defect; the clinical impact of this abnormal splicing is unknown at this time (Ambry internal data). In silico splice site analysis predicts that this alteration will weaken the native splice donor site. Based on insufficient or conflicting evidence, the clinical significance of this alteration remains unclear.

NM_000211.5(ITGB2):c.-4+4A>G

Gene: ITGB2 (integrin subunit beta 2; minus strand). Cytogenetic location: 21q22.3.
Variant type: single nucleotide variant.
Coding change: c.-4+4A>G on transcript NM_000211.5 (MANE Select); 4 bases into the intron after 4 bases upstream of the start codon, A replaced by G.
Molecular consequence: intron variant.
Genome position (GRCh38, 1-based): chr21:44,920,817, T>C on the plus strand (A>G on the coding strand, the complement: ITGB2 is on the minus strand). VCF-style: chr21-44920817-T-C. GRCh37 (hg19) VCF-style: chr21-46340732-T-C.
Other names: c.-4+7837A>G (NM_001127491.3); c.-254+4A>G (NM_001303238.2).
Identifiers: ClinVar variation 2227384 (VCV002227384.2), dbSNP rs2517193873, ClinGen allele CA2580098834.
Genomic context (GRCh38, chr21:44,920,817, plus strand): 5'-TGGGGCAGGAGAGTGCTTCCCTCCAAAAATCACCGTGGACATAGCGGGGCCTCTGCACAC[T>C]CACCCTCGGTGTGCTGGAGTCCTCGGCGGTGCTCCTGGCTGGGCGTGGGGGCTTTGCTAC-3'